The following is an entry in ClinVar:

ClinVar aggregate classification (germline): Pathogenic/Likely pathogenic. Review status: criteria provided, multiple submitters, no conflicts (2 of 4 stars). 2 submissions from 2 submitters: Pathogenic (1); Likely pathogenic (1). Last evaluated 2025-04-22.

Conditions:
CD36-related disorder. Also called: CD36-related condition; CD36-related disorders.
Platelet-type bleeding disorder 10. Also called: CD36 DEFICIENCY. Identifiers: MedGen C1842090, MONDO:0012031, OMIM 608404.

Submissions (2):

Women's Health and Genetics/Laboratory Corporation of America, LabCorp
Classification: Pathogenic for CD36-Related Disorders. Last evaluated: 2025-04-22. Review status: criteria provided, single submitter. Criteria: LabCorp Variant Classification Summary - May 2015. Collection method: clinical testing. Allele origin: germline.
Comment: Variant summary: CD36 c.667_671delAAAGT (p.Lys223CysfsX7) results in a premature termination codon, predicted to cause a truncation of the encoded protein or absence of the protein due to nonsense mediated decay, which are commonly known mechanisms for disease. The variant allele was found at a frequency of 8.8e-05 in 250832 control chromosomes, predominantly at a frequency of 0.00099 within the African or African-American subpopulation in the gnomAD database. This frequency is not significantly higher than estimated for a pathogenic variant in CD36 causing CD36-Related Disorders, allowing no conclusion about variant significance. To our knowledge, no occurrence of c.667_671delAAAGT in individuals affected with CD36-Related Disorders and no experimental evidence demonstrating its impact on protein function have been reported. ClinVar contains an entry for this variant (Variation ID: 2577330). Based on the evidence outlined above, the variant was classified as pathogenic.

Greenwood Genetic Center Diagnostic Laboratories, Greenwood Genetic Center
Classification: Likely pathogenic for Platelet-type bleeding disorder 10. Last evaluated: 2024-11-19. Review status: criteria provided, single submitter. Criteria: ACMG Guidelines, 2015. Collection method: clinical testing. Allele origin: germline. Affected: yes.
Comment: PVS1, PM2

NM_001001548.3(CD36):c.667_671del (p.Lys223fs)

Gene: CD36 (CD36 molecule (CD36 blood group); plus strand). Cytogenetic location: 7q21.11.
Variant type: Deletion.
Coding change: c.667_671del on transcript NM_001001548.3 (MANE Select); coding-DNA positions 667 to 671, 5 bases deleted (AAAGT; older notation c.667_671delAAAGT).
Protein change: p.Lys223fs; shifts the reading frame from lysine 223.
Molecular consequence: frameshift variant. On other transcripts: non-coding transcript variant (1).
Genome position (GRCh38, 1-based): chr7:80,664,463-80,664,467, AAAGT deleted; deleting any 5 consecutive bases within chr7:80,664,459-80,664,467 gives the same sequence; the c. name uses the placement nearest the transcript's 3' end. VCF-style (leftmost placement, unchanged base first): chr7-80664458-TAAGTA-T. GRCh37 (hg19) VCF-style: chr7-80293774-TAAGTA-T.
Other names: c.667_671del, p.Lys223fs (NM_000072.3, NM_001001547.3, NM_001127443.2 and 6 more transcripts); c.487_491del, p.Lys163fs (NM_001289909.1); c.439_443del, p.Lys147fs (NM_001289911.2); c.565_569del, p.Lys189fs (NM_001371079.1); c.202_206del, p.Lys68fs (NM_001371080.1, NM_001371081.1); c.667_671delAAAGT (NM_001001547.3); short protein forms K189fs, K223fs, K163fs, K147fs, K68fs.
Identifiers: ClinVar variation 2577330 (VCV002577330.4), dbSNP rs748431584, ClinGen allele CA4315309.